The following is an entry in ClinVar:

ClinVar aggregate classification (germline): Pathogenic. Review status: reviewed by expert panel (3 of 4 stars). 2 submissions from 2 submitters: Pathogenic (1). 1 of the submissions does not count toward it. Last evaluated 2017-12-15.

Conditions:
Breast-ovarian cancer, familial, susceptibility to, 1 (BROVCA1). Also called: OVARIAN CANCER, SUSCEPTIBILITY TO; BRCA1 Hereditary Breast and Ovarian Cancer. Identifiers: Orphanet 145, MedGen C2676676, MONDO:0011450, OMIM 604370. Disease mechanism: loss of function.
Familial cancer of breast. Also called: Hereditary breast cancer; hereditary breast carcinoma; BREAST CANCER, FAMILIAL. Identifiers: Orphanet 227535, MedGen C0346153, MONDO:0016419, OMIM 114480. Disease mechanism: loss of function.

Submissions (2):

Evidence-based Network for the Interpretation of Germline Mutant Alleles (ENIGMA)
Classification: Pathogenic for Breast-ovarian cancer, familial, susceptibility to, 1. Last evaluated: 2017-12-15. Review status: reviewed by expert panel. Criteria: ENIGMA BRCA1/2 Classification Criteria (2017-06-29). Collection method: curation. Allele origin: germline. Study: ENIGMA.
Comment: Variant allele predicted to encode a truncated non-functional protein.

ClinVar Staff, National Center for Biotechnology Information (NCBI)
No classification provided. Condition: Familial cancer of breast. Review status: no classification provided. Collection method: literature only. Allele origin: germline. Affected: yes. Not counted in ClinVar's aggregate classification.

Literature cited by the submitters: PubMed 15998910 (cited by ClinVar Staff, National Center for Biotechnology Information (NCBI)).

NM_007294.4(BRCA1):c.1099dup (p.Thr367fs)

Gene: BRCA1 (BRCA1 DNA repair associated; minus strand). Cytogenetic location: 17q21.31.
Variant type: Duplication.
Coding change: c.1099dup on transcript NM_007294.4 (MANE Select); coding-DNA position 1099, one base duplicated (A; older notation c.1099dupA).
Protein change: p.Thr367fs; shifts the reading frame from threonine 367.
Molecular consequence: frameshift variant. On other transcripts: intron variant (137).
Genome position (GRCh38, 1-based): chr17:43,094,432, T duplicated on the plus strand (A on the coding strand, the reverse complement: BRCA1 is on the minus strand). VCF-style (leftmost placement, unchanged base first): chr17-43094431-G-GT. GRCh37 (hg19) VCF-style: chr17-41246448-G-GT.
Other names: c.1099dupA (NM_007294.3); c.886dup, p.Thr296fs (NM_001407571.1, NM_001407853.1, NM_001407894.1 and 9 more transcripts); c.1099dup, p.Thr367fs (NM_001407581.1, NM_001407582.1, NM_001407583.1 and 30 more transcripts); c.1096dup, p.Thr366fs (NM_001407587.1, NM_001407590.1, NM_001407591.1 and 22 more transcripts); c.1090dup, p.Thr364fs (NM_001407646.1, NM_001407647.1); c.976dup, p.Thr326fs (NM_001407648.1, NM_001407664.1, NM_001407665.1 and 19 more transcripts); c.973dup, p.Thr325fs (NM_001407649.1, NM_001407670.1, NM_001407671.1 and 11 more transcripts); c.1021dup, p.Thr341fs (NM_001407653.1, NM_001407654.1, NM_001407655.1 and 4 more transcripts); and 41 more; short protein forms T320fs, T367fs, T319fs, T326fs, T71fs, T325fs, T364fs, T256fs.
Identifiers: ClinVar variation 54126 (VCV000054126.3), dbSNP rs397508835, ClinGen allele CA327717.
Genomic context (GRCh38, chr17:43,094,431, plus strand): 5'-GAAAACCACTCATTAACTTTCTGAATGCTGCTATTTAGTGTTATCCAAGGAACATCTTCA[G>GT]TATCTCTAGGATTCTCTGAGCATGGCAGTTTCTGCTTATTCCATTCTTTTCTCTCACACA-3'